The following is an entry in ClinVar:

ClinVar aggregate classification (germline): Uncertain significance. Review status: criteria provided, multiple submitters, no conflicts (2 of 4 stars). 2 submissions from 2 submitters: Uncertain significance (2). Last evaluated 2025-12-02.

Conditions:
Inborn genetic diseases. Identifiers: MedGen C0950123, MeSH D030342.

Allele frequency attached by ClinVar (database versions not stated): gnomAD 0.00001 and 0.00002; gnomAD exomes 0.00002 and 0.00004; ExAC 0.00006; TOPMed 0.00006.
gnomAD v4.1: 30 of 1,614,060 alleles (0.0019%); highest among the groups gnomAD compares: East Asian, 0.011%; no homozygotes.

Submissions (2):

Ambry Genetics
Classification: Uncertain significance for Inborn genetic diseases. Last evaluated: 2025-12-02. Review status: criteria provided, single submitter. Criteria: Ambry Variant Classification Scheme 2023. Collection method: clinical testing. Allele origin: germline.

Labcorp Genetics (formerly Invitae), Labcorp
Classification: Uncertain significance. Last evaluated: 2022-03-03. Review status: criteria provided, single submitter. Criteria: Invitae Variant Classification Sherloc (09022015). Collection method: clinical testing. Allele origin: germline.
Comment: Algorithms developed to predict the effect of missense changes on protein structure and function are either unavailable or do not agree on the potential impact of this missense change (SIFT: "Deleterious"; PolyPhen-2: "Possibly Damaging"; Align-GVGD: "Class C0"). In summary, the available evidence is currently insufficient to determine the role of this variant in disease. Therefore, it has been classified as a Variant of Uncertain Significance. This variant has not been reported in the literature in individuals affected with LETM1-related conditions. This variant is present in population databases (rs765611500, gnomAD 0.03%). This sequence change replaces alanine, which is neutral and non-polar, with valine, which is neutral and non-polar, at codon 178 of the LETM1 protein (p.Ala178Val).

NM_012318.3(LETM1):c.533C>T (p.Ala178Val)

Gene: LETM1 (leucine zipper and EF-hand containing transmembrane protein 1; minus strand). Cytogenetic location: 4p16.3.
Variant type: single nucleotide variant.
Coding change: c.533C>T on transcript NM_012318.3 (MANE Select); coding-DNA position 533, C replaced by T.
Protein change: p.Ala178Val; replaces alanine 178 with valine.
Molecular consequence: missense variant.
Genome position (GRCh38, 1-based): chr4:1,841,408, G>A on the plus strand (C>T on the coding strand, the complement: LETM1 is on the minus strand). VCF-style: chr4-1841408-G-A. GRCh37 (hg19) VCF-style: chr4-1843135-G-A.
Other names: c.533C>T (NM_012318.2); short protein forms A178V.
Identifiers: ClinVar variation 1470439 (VCV001470439.10), dbSNP rs765611500, ClinGen allele CA2811609.